The following is an entry in ClinVar:

NM_152564.5(VPS13B):c.621C>G (p.Asp207Glu)

Gene: VPS13B (vacuolar protein sorting 13 homolog B; plus strand). Cytogenetic location: 8q22.2.
Variant type: single nucleotide variant.
Coding change: c.621C>G on transcript NM_152564.5 (MANE Select); coding-DNA position 621, C replaced by G.
Protein change: p.Asp207Glu; replaces aspartic acid 207 with glutamic acid.
Molecular consequence: missense variant. On other transcripts: non-coding transcript variant (1).
Genome position (GRCh38, 1-based): chr8:99,111,138, C>G. VCF-style: chr8-99111138-C-G. GRCh37 (hg19) VCF-style: chr8-100123366-C-G.
Other names: c.621C>G, p.Asp207Glu (NM_015243.3, NM_017890.5, NM_181661.3); short protein forms D207E.
Identifiers: ClinVar variation 836992 (VCV000836992.8), dbSNP rs1847342750, ClinGen allele CA371860004.

ClinVar aggregate classification (germline): Uncertain significance (1 of 4 stars; one submission).

Conditions:
Cohen syndrome (COH1). Also called: Cutis verticis gyrata, retinitis pigmentosa, and sensorineural deafness; PEPPER SYNDROME. Identifiers: Orphanet 193, MedGen C0265223, MONDO:0008999, OMIM 216550.

Submission:

Labcorp Genetics (formerly Invitae), Labcorp
Classification: Uncertain significance for Cohen syndrome. Last evaluated: 2019-03-13. Review status: criteria provided, single submitter. Criteria: Invitae Variant Classification Sherloc (09022015). Collection method: clinical testing. Allele origin: germline.
Comment: In summary, the available evidence is currently insufficient to determine the role of this variant in disease. Therefore, it has been classified as a Variant of Uncertain Significance. Algorithms developed to predict the effect of missense changes on protein structure and function are either unavailable or do not agree on the potential impact of this missense change (SIFT: "Tolerated"; PolyPhen-2: "Possibly Damaging"; Align-GVGD: "Class C0"). This variant has not been reported in the literature in individuals with VPS13B-related conditions. This variant is not present in population databases (ExAC no frequency). This sequence change replaces aspartic acid with glutamic acid at codon 207 of the VPS13B protein (p.Asp207Glu). The aspartic acid residue is moderately conserved and there is a small physicochemical difference between aspartic acid and glutamic acid.